The following is an entry in ClinVar:

ClinVar aggregate classification (germline): Pathogenic (1 of 4 stars; one submission).

Conditions:
Hereditary hemorrhagic telangiectasia (HHT). Also called: ORW DISEASE; Osler Weber Rendu syndrome; OSLER-RENDU-WEBER DISEASE; Osler hemorrhagic telangiectasia syndrome. Identifiers: Orphanet 774, MedGen C0039445, MONDO:0019180. Disease mechanism: loss of function.

Submission:

Labcorp Genetics (formerly Invitae), Labcorp
Classification: Pathogenic for Hereditary hemorrhagic telangiectasia. Last evaluated: 2024-04-03. Review status: criteria provided, single submitter. Criteria: Invitae Variant Classification Sherloc (09022015). Collection method: clinical testing. Allele origin: germline.
Comment: This sequence change creates a premature translational stop signal (p.Arg39Glyfs*4) in the ENG gene. It is expected to result in an absent or disrupted protein product. Loss-of-function variants in ENG are known to be pathogenic (PMID: 15879500). This variant is not present in population databases (gnomAD no frequency). This premature translational stop signal has been observed in individual(s) with hereditary hemorrhagic telangiectasia (PMID: 12673790). For these reasons, this variant has been classified as Pathogenic.

Literature cited by the submitters: PubMed 15879500; PubMed 12673790.

NM_001114753.3(ENG):c.115del (p.Arg39fs)

Gene: ENG (endoglin; minus strand). Cytogenetic location: 9q34.11.
Variant type: Deletion.
Coding change: c.115del on transcript NM_001114753.3 (MANE Select); coding-DNA position 115, one base deleted (A; older notation c.115delA).
Protein change: p.Arg39fs; shifts the reading frame from arginine 39.
Molecular consequence: frameshift variant. On other transcripts: 5 prime UTR variant (1).
Genome position (GRCh38, 1-based): chr9:127,843,198, T deleted on the plus strand (A on the coding strand, the reverse complement: ENG is on the minus strand). VCF-style (leftmost placement, unchanged base first): chr9-127843197-CT-C. GRCh37 (hg19) VCF-style: chr9-130605476-CT-C.
Other names: c.115del, p.Arg39fs (NM_000118.4, NM_001406715.1); c.-432del (NM_001278138.2); short protein forms R39fs.
Identifiers: ClinVar variation 3720911 (VCV003720911.2).